The following is an entry in ClinVar:

NM_001164688.2(RD3):c.20T>A (p.Leu7His)

Gene: RD3 (RD3 regulator of GUCY2D; minus strand). Cytogenetic location: 1q32.3.
Variant type: single nucleotide variant.
Coding change: c.20T>A on transcript NM_001164688.2 (MANE Select); coding-DNA position 20, T replaced by A.
Protein change: p.Leu7His; replaces leucine 7 with histidine.
Molecular consequence: missense variant.
Genome position (GRCh38, 1-based): chr1:211,481,396, A>T on the plus strand (T>A on the coding strand, the complement: RD3 is on the minus strand). VCF-style: chr1-211481396-A-T. GRCh37 (hg19) VCF-style: chr1-211654738-A-T.
Other names: c.20T>A (NM_183059.2); c.20T>A, p.Leu7His (NM_183059.3); short protein forms L7H.
Identifiers: ClinVar variation 1042085 (VCV001042085.8), dbSNP rs372790239, ClinGen allele CA1381179.

ClinVar aggregate classification (germline): Uncertain significance. Review status: criteria provided, multiple submitters, no conflicts (2 of 4 stars). 3 submissions from 3 submitters: Uncertain significance (3). Last evaluated 2025-06-07.

Conditions:
Inborn genetic diseases. Identifiers: MedGen C0950123, MeSH D030342.
Leber congenital amaurosis 12 (LCA12). Identifiers: Orphanet 65, MedGen C1857743, MONDO:0012525, OMIM 610612.

Allele frequency attached by ClinVar (database versions not stated): TOPMed 0.00001; ExAC 0.00002; gnomAD exomes 0.00002; gnomAD 0.00003 and 0.00004; ESP Exome Variant Server 0.00008.
gnomAD v4.1: 45 of 1,612,936 alleles (0.0028%); highest among the groups gnomAD compares: Non-Finnish European, 0.0037%; no homozygotes.

Submissions (3):

Ambry Genetics
Classification: Uncertain significance for Inborn genetic diseases. Last evaluated: 2025-06-07. Review status: criteria provided, single submitter. Criteria: Ambry Variant Classification Scheme 2023. Collection method: clinical testing. Allele origin: germline.

Labcorp Genetics (formerly Invitae), Labcorp
Classification: Uncertain significance for Leber congenital amaurosis 12. Last evaluated: 2022-10-25. Review status: criteria provided, single submitter. Criteria: Invitae Variant Classification Sherloc (09022015). Collection method: clinical testing. Allele origin: germline.
Comment: This sequence change replaces leucine, which is neutral and non-polar, with histidine, which is basic and polar, at codon 7 of the RD3 protein (p.Leu7His). This variant is present in population databases (rs372790239, gnomAD 0.003%). This variant has not been reported in the literature in individuals affected with RD3-related conditions. ClinVar contains an entry for this variant (Variation ID: 1042085). Algorithms developed to predict the effect of missense changes on protein structure and function (SIFT, PolyPhen-2, Align-GVGD) all suggest that this variant is likely to be disruptive. In summary, the available evidence is currently insufficient to determine the role of this variant in disease. Therefore, it has been classified as a Variant of Uncertain Significance.

Blueprint Genetics
Classification: Uncertain significance. Last evaluated: 2021-12-10. Review status: criteria provided, single submitter. Criteria: ACMG Guidelines, 2015. Collection method: clinical testing. Allele origin: germline.